The following is an entry in ClinVar:

ClinVar aggregate classification (germline): Likely benign (0 of 4 stars; one submission).

Conditions:
KIF5C-related disorder. Also called: KIF5C-related condition.

Submission:

PreventionGenetics, part of Exact Sciences
Classification: Likely benign for KIF5C-related condition. Last evaluated: 2019-05-10. Review status: no assertion criteria provided. Collection method: clinical testing. Allele origin: germline.
Comment: This variant is classified as likely benign based on ACMG/AMP sequence variant interpretation guidelines (Richards et al. 2015 PMID: 25741868, with internal and published modifications).

NM_004522.3(KIF5C):c.1893G>C (p.Leu631=)

Gene: KIF5C (kinesin family member 5C; plus strand). Cytogenetic location: 2q23.1.
Variant type: single nucleotide variant.
Coding change: c.1893G>C on transcript NM_004522.3 (MANE Select); coding-DNA position 1893, G replaced by C.
Protein change: p.Leu631=; no amino-acid change (leucine 631 retained).
Molecular consequence: synonymous variant. On other transcripts: non-coding transcript variant (1).
Genome position (GRCh38, 1-based): chr2:148,991,186, G>C. VCF-style: chr2-148991186-G-C. GRCh37 (hg19) VCF-style: chr2-149847700-G-C.
Identifiers: ClinVar variation 3042232 (VCV003042232.2), dbSNP rs2468291579, ClinGen allele CA429224942.